The following is an entry in ClinVar:

NM_198253.3(TERT):c.2743G>A (p.Gly915Ser)

Gene: TERT (telomerase reverse transcriptase; minus strand). Cytogenetic location: 5p15.33.
Variant type: single nucleotide variant.
Coding change: c.2743G>A on transcript NM_198253.3 (MANE Select); coding-DNA position 2743, G replaced by A.
Protein change: p.Gly915Ser; replaces glycine 915 with serine.
Molecular consequence: missense variant. On other transcripts: intron variant (1).
Genome position (GRCh38, 1-based): chr5:1,264,504, C>T on the plus strand (G>A on the coding strand, the complement: TERT is on the minus strand). VCF-style: chr5-1264504-C-T. GRCh37 (hg19) VCF-style: chr5-1264619-C-T.
Other names: c.2654+1960G>A (NM_001193376.3); short protein forms G915S.
Identifiers: ClinVar variation 646459 (VCV000646459.9), dbSNP rs1579555878, ClinGen allele CA359071933.
Genomic context (GRCh38, chr5:1,264,504, plus strand): 5'-GCAGCAGGCCGCACCAGGGGAATAGGCCGTGGGCCGGCATCTGAACAAAAGCCGTGCCAC[C>T]CAGGGCCTCGTCTTCTACAGGGAAGTTCACCACTGTCTTCCGCAAGTTCACCACGCAGCC-3'
Protein context (NP_937983.2, residues 905-925): VNFPVEDEAL[Gly915Ser]GTAFVQMPAH

ClinVar aggregate classification (germline): Uncertain significance (1 of 4 stars; one submission).

Conditions:
Idiopathic Pulmonary Fibrosis. Also called: Idiopathic fibrosing alveolitis, chronic form; idiopathic fibrosing alveolitis. Identifiers: Orphanet 2032, MedGen C1800706, MeSH D054990, MONDO:0800504.
Dyskeratosis congenita, autosomal dominant 2. Identifiers: MedGen C3151443, MONDO:0013521, OMIM 613989.

Submission:

Labcorp Genetics (formerly Invitae), Labcorp
Classification: Uncertain significance for Dyskeratosis congenita, autosomal dominant 2; Idiopathic Pulmonary Fibrosis. Last evaluated: 2025-01-15. Review status: criteria provided, single submitter. Criteria: Invitae Variant Classification Sherloc (09022015). Collection method: clinical testing. Allele origin: germline.
Comment: This sequence change replaces glycine, which is neutral and non-polar, with serine, which is neutral and polar, at codon 915 of the TERT protein (p.Gly915Ser). This variant is not present in population databases (gnomAD no frequency). This variant has not been reported in the literature in individuals affected with TERT-related conditions. ClinVar contains an entry for this variant (Variation ID: 646459). An algorithm developed to predict the effect of missense changes on protein structure and function outputs the following: PolyPhen-2: "Benign". The serine amino acid residue is found in multiple mammalian species, which suggests that this missense change does not adversely affect protein function. In summary, the available evidence is currently insufficient to determine the role of this variant in disease. Therefore, it has been classified as a Variant of Uncertain Significance.